The following is an entry in ClinVar:

ClinVar aggregate classification (germline): Likely benign. Review status: criteria provided, multiple submitters, no conflicts (2 of 4 stars). 5 submissions from 5 submitters: Likely benign (5). Last evaluated 2025-09-10.

Conditions:
Familial thoracic aortic aneurysm and aortic dissection (TAAD). Also called: Thoracic aortic aneurysms and dissections. Identifiers: Orphanet 91387, MedGen C4707243, MONDO:0019625.
Marfan syndrome (MFS). Also called: Marfan syndrome type 1; Marfan syndrome, classic; Marfan's syndrome; FBN1-Related Marfan Syndrome; MARFAN SYNDROME, TYPE I. Identifiers: Orphanet 284963, Orphanet 558, MedGen C0024796, MONDO:0007947, OMIM 154700.

Allele frequency attached by ClinVar (database versions not stated): gnomAD exomes 0.00004 and 0.00001; TOPMed 0.00001; gnomAD 0.00001 and 0.00002; ExAC 0.00003.
gnomAD v4.1: 21 of 1,613,850 alleles (0.0013%); highest among the groups gnomAD compares: Admixed American, 0.005%; no homozygotes.

Submissions (5):

Labcorp Genetics (formerly Invitae), Labcorp
Classification: Likely benign for Marfan syndrome; Familial thoracic aortic aneurysm and aortic dissection. Last evaluated: 2025-09-10. Review status: criteria provided, single submitter. Criteria: Invitae Variant Classification Sherloc (09022015). Collection method: clinical testing. Allele origin: germline.

All of Us Research Program, National Institutes of Health
Classification: Likely benign for Marfan syndrome. Last evaluated: 2023-12-01. Review status: criteria provided, single submitter. Criteria: ACMG Guidelines, 2015. Collection method: clinical testing. Allele origin: germline. Inheritance: Autosomal dominant inheritance. Observed: 3 variant alleles, 3 heterozygotes.
Comment: This study involves interpretation of variants in research participants for the purpose of population health screening. Participant phenotype was not available at the time of variant classification. Additional details can be found in publication PMID: 35346344, PMCID: PMC8962531

Blueprint Genetics
Classification: Likely benign. Last evaluated: 2023-10-02. Review status: criteria provided, single submitter. Criteria: ACMG Guidelines, 2015. Collection method: clinical testing. Allele origin: germline.

GeneDx
Classification: Likely benign. Last evaluated: 2019-12-02. Review status: criteria provided, single submitter. Criteria: GeneDx Variant Classification Process June 2021. Collection method: clinical testing. Allele origin: germline. Affected: yes.

Color Diagnostics, LLC DBA Color Health
Classification: Likely benign for Familial thoracic aortic aneurysm and aortic dissection. Last evaluated: 2019-03-24. Review status: criteria provided, single submitter. Criteria: ACMG Guidelines, 2015. Collection method: clinical testing. Allele origin: germline.

NM_000138.5(FBN1):c.4446C>T (p.Gly1482=)

Gene: FBN1 (fibrillin 1; minus strand). Cytogenetic location: 15q21.1.
Variant type: single nucleotide variant.
Coding change: c.4446C>T on transcript NM_000138.5 (MANE Select); coding-DNA position 4446, C replaced by T.
Protein change: p.Gly1482=; no amino-acid change (glycine 1482 retained).
Molecular consequence: synonymous variant.
Genome position (GRCh38, 1-based): chr15:48,470,647, G>A on the plus strand (C>T on the coding strand, the complement: FBN1 is on the minus strand). VCF-style: chr15-48470647-G-A. GRCh37 (hg19) VCF-style: chr15-48762844-G-A.
Identifiers: ClinVar variation 513698 (VCV000513698.12), dbSNP rs772727859, ClinGen allele CA053015.
Genomic context (GRCh38, chr15:48,470,647, plus strand): 5'-CCCCCGGGACACCAGGGAGCTGATTTTGATGCCAGTGGAGGTCTTACCTGTGCAGTTCCC[G>A]CCGCTTCTGTCCAGTTCGTAGCCTATCTCACACTCACAGCGGAACAGGCCAGGGAGGTTG-3'
Protein context (NP_000129.3, residues 1472-1492): CEIGYELDRS[Gly1482=]GNCTDVNECL